The following is an entry in ClinVar:

NM_000092.5(COL4A4):c.4724C>A (p.Ala1575Glu)

Gene: COL4A4 (collagen type IV alpha 4 chain; minus strand). Cytogenetic location: 2q36.3.
Variant type: single nucleotide variant.
Coding change: c.4724C>A on transcript NM_000092.5 (MANE Select); coding-DNA position 4724, C replaced by A.
Protein change: p.Ala1575Glu; replaces alanine 1575 with glutamic acid.
Molecular consequence: missense variant.
Genome position (GRCh38, 1-based): chr2:227,008,103, G>T on the plus strand (C>A on the coding strand, the complement: COL4A4 is on the minus strand). VCF-style: chr2-227008103-G-T. GRCh37 (hg19) VCF-style: chr2-227872819-G-T.
Other names: short protein forms A1575E.
Identifiers: ClinVar variation 2633217 (VCV002633217.2), dbSNP rs199760323, ClinGen allele CA2144085.

ClinVar aggregate classification (germline): Conflicting classifications of pathogenicity. Review status: criteria provided, conflicting classifications (1 of 4 stars). 2 submissions from 2 submitters: Likely pathogenic (1); Uncertain significance (1). Last evaluated 2026-02-23.

Conditions:
Alport syndrome. Also called: Hemorrhagic familial nephritis; Hemorrhagic hereditary nephritis; Congenital hereditary hematuria. Identifiers: Orphanet 63, MedGen C1567741, MONDO:0018965.
COL4A4-related disorder.

gnomAD v4.1: 16 of 1,614,078 alleles (0.00099%); highest among the groups gnomAD compares: Non-Finnish European, 0.0014%; no homozygotes.

Submissions (2):

Myriad Genetics, Inc.
Classification: Likely pathogenic for Alport syndrome. Last evaluated: 2026-02-23. Review status: criteria provided, single submitter. Criteria: Myriad Autosomal Dominant, Autosomal Recessive and X-Linked Classification Criteria (2023). Collection method: clinical testing. Allele origin: unknown.
Comment: NM_000092.4(COL4A4):c.4724C>A(A1575E) is a missense variant classified as likely pathogenic in the context of Alport syndrome, COL4A4-related. A1575E has been observed in a case with relevant disease (PMID: 40282368). Relevant functional assessments of this variant are not available in the literature. A1575E has been observed in referenced population frequency databases. In summary, NM_000092.4(COL4A4):c.4724C>A(A1575E) is a missense variant that has been observed more frequently in cases with the relevant disease than in healthy populations. Please note: this variant was assessed in the context of healthy population screening.

PreventionGenetics, part of Exact Sciences
Classification: Uncertain significance for COL4A4-related condition. Last evaluated: 2023-05-15. Review status: criteria provided, single submitter. Criteria: ACMG Guidelines, 2015. Collection method: clinical testing. Allele origin: germline.
Comment: The COL4A4 c.4724C>A variant is predicted to result in the amino acid substitution p.Ala1575Glu. To our knowledge, this variant has not been reported in the literature. This variant is reported in 0.00089% of alleles in individuals of European (Non-Finnish) descent in gnomAD. At this time, the clinical significance of this variant is uncertain due to the absence of conclusive functional and genetic evidence.

Literature cited by the submitters: PubMed 40282368 (cited by Myriad Genetics, Inc.).